The following is an entry in ClinVar:

NM_001792.5(CDH2):c.2468G>A (p.Arg823Gln)

Genes: CDH2 (cadherin 2; minus strand), CDH2-AS1 (CDH2 antisense RNA 1; plus strand). Cytogenetic location: 18q12.1.
Variant type: single nucleotide variant.
Coding change: c.2468G>A on transcript NM_001792.5 (MANE Select); coding-DNA position 2468, G replaced by A.
Protein change: p.Arg823Gln; replaces arginine 823 with glutamine.
Molecular consequence: missense variant.
Genome position (GRCh38, 1-based): chr18:27,963,403, C>T on the plus strand (G>A on the coding strand, the complement: CDH2 is on the minus strand). VCF-style: chr18-27963403-C-T. GRCh37 (hg19) VCF-style: chr18-25543367-C-T.
Other names: c.2375G>A, p.Arg792Gln (NM_001308176.2); short protein forms R792Q, R823Q.
Identifiers: ClinVar variation 1421805 (VCV001421805.11), dbSNP rs199638301, ClinGen allele CA8923142.

ClinVar aggregate classification (germline): Uncertain significance. Review status: criteria provided, multiple submitters, no conflicts (2 of 4 stars). 3 submissions from 3 submitters: Uncertain significance (3). Last evaluated 2026-01-06.

Conditions:
Inborn genetic diseases. Identifiers: MedGen C0950123, MeSH D030342.
Arrhythmogenic right ventricular cardiomyopathy (ARVD). Also called: Cardiomyopathy, ARVC; Arrhythmogenic right ventricular dysplasia; Arrhythmogenic Right Ventricular Cardiomyopathy (ARVC); Arrhythmogenic cardiomyopathy. Identifiers: Orphanet 247, MedGen C0349788, MeSH D019571, MONDO:0016587. Disease mechanism: loss of function. Inheritance: Various modes of inheritance.

Allele frequency attached by ClinVar (database versions not stated): ExAC 0.00002; gnomAD exomes 0.00002 and 0.00005; gnomAD 0.00003 and 0.00004; TOPMed 0.00005; ESP Exome Variant Server 0.00015.
gnomAD v4.1: 79 of 1,613,936 alleles (0.0049%); highest among the groups gnomAD compares: Non-Finnish European, 0.0059%; no homozygotes.

Submissions (3):

Labcorp Genetics (formerly Invitae), Labcorp
Classification: Uncertain significance. Last evaluated: 2026-01-06. Review status: criteria provided, single submitter. Criteria: Invitae Variant Classification Sherloc (09022015). Collection method: clinical testing. Allele origin: germline.
Comment: This sequence change replaces arginine, which is basic and polar, with glutamine, which is neutral and polar, at codon 823 of the CDH2 protein (p.Arg823Gln). This variant is present in population databases (rs199638301, gnomAD 0.005%). This variant has not been reported in the literature in individuals affected with CDH2-related conditions. ClinVar contains an entry for this variant (Variation ID: 1421805). An algorithm developed to predict the effect of missense changes on protein structure and function (PolyPhen-2) suggests that this variant is likely to be disruptive. In summary, the available evidence is currently insufficient to determine the role of this variant in disease. Therefore, it has been classified as a Variant of Uncertain Significance.

Ambry Genetics
Classification: Uncertain significance for Inborn genetic diseases. Last evaluated: 2023-01-24. Review status: criteria provided, single submitter. Criteria: Ambry Variant Classification Scheme 2023. Collection method: clinical testing. Allele origin: germline.

Department of Pathology and Laboratory Medicine, Sinai Health System
Classification: Uncertain significance for arrhythmogenic right ventricular cardiomyopathy. Last evaluated: 2021-07-30. Review status: criteria provided, single submitter. Criteria: ACMG Guidelines, 2015. Collection method: research. Allele origin: germline.